The following is an entry in ClinVar:

NM_006415.4(SPTLC1):c.329G>A (p.Gly110Glu)

Gene: SPTLC1 (serine palmitoyltransferase long chain base subunit 1; minus strand). Cytogenetic location: 9q22.31.
Variant type: single nucleotide variant.
Coding change: c.329G>A on transcript NM_006415.4 (MANE Select); coding-DNA position 329, G replaced by A.
Protein change: p.Gly110Glu; replaces glycine 110 with glutamic acid.
Molecular consequence: missense variant. On other transcripts: 5 prime UTR variant (2).
Genome position (GRCh38, 1-based): chr9:92,080,895, C>T on the plus strand (G>A on the coding strand, the complement: SPTLC1 is on the minus strand). VCF-style: chr9-92080895-C-T. GRCh37 (hg19) VCF-style: chr9-94843177-C-T.
Other names: c.329G>A, p.Gly110Glu (NM_001281303.2, NM_178324.3); c.-171G>A (NM_001368272.1); c.-137G>A (NM_001368273.1); short protein forms G110E.
Identifiers: ClinVar variation 838070 (VCV000838070.10), dbSNP rs1834857269, ClinGen allele CA373788699.

ClinVar aggregate classification (germline): Uncertain significance (1 of 4 stars; one submission).

Conditions:
Hereditary sensory and autonomic neuropathy type 1 (HSAN1). Also called: HSAN 1; HSN Type I; Hereditary Sensory Neuropathy Type I. Identifiers: Orphanet 36386, MedGen C0020071, MONDO:0018213.

Allele frequency attached by ClinVar (database versions not stated): gnomAD exomes below 0.00001.
gnomAD v4.1: 1 of 1,614,078 alleles (0.000062%); highest among the groups gnomAD compares: Non-Finnish European, 0.000085%; no homozygotes.

Submission:

Labcorp Genetics (formerly Invitae), Labcorp
Classification: Uncertain significance for Hereditary sensory and autonomic neuropathy type 1. Last evaluated: 2019-12-29. Review status: criteria provided, single submitter. Criteria: Invitae Variant Classification Sherloc (09022015). Collection method: clinical testing. Allele origin: germline.
Comment: In summary, the available evidence is currently insufficient to determine the role of this variant in disease. Therefore, it has been classified as a Variant of Uncertain Significance. Algorithms developed to predict the effect of missense changes on protein structure and function are either unavailable or do not agree on the potential impact of this missense change (SIFT: "Tolerated"; PolyPhen-2: "Probably Damaging"; Align-GVGD: "Class C0"). This variant has not been reported in the literature in individuals with SPTLC1-related conditions. This variant is not present in population databases (ExAC no frequency). This sequence change replaces glycine with glutamic acid at codon 110 of the SPTLC1 protein (p.Gly110Glu). The glycine residue is moderately conserved and there is a moderate physicochemical difference between glycine and glutamic acid.